The following is an entry in ClinVar:

NM_004960.4(FUS):c.1080C>T (p.Ser360=)

Gene: FUS (FUS DNA/RNA binding protein; plus strand). Cytogenetic location: 16p11.2.
Variant type: single nucleotide variant.
Coding change: c.1080C>T on transcript NM_004960.4 (MANE Select); coding-DNA position 1080, C replaced by T.
Protein change: p.Ser360=; no amino-acid change (serine 360 retained).
Molecular consequence: synonymous variant. On other transcripts: non-coding transcript variant (1).
Genome position (GRCh38, 1-based): chr16:31,190,053, C>T. VCF-style: chr16-31190053-C-T. GRCh37 (hg19) VCF-style: chr16-31201374-C-T.
Other names: p.Ser360=; c.1077C>T, p.Ser359= (NM_001170634.1); c.1068C>T, p.Ser356= (NM_001170937.1).
Identifiers: ClinVar variation 444368 (VCV000444368.62), dbSNP rs190724342, ClinGen allele CA8023935.

ClinVar aggregate classification (germline): Conflicting classifications of pathogenicity. Review status: criteria provided, conflicting classifications (1 of 4 stars). 6 submissions from 6 submitters: Uncertain significance (1); Likely benign (4). 1 of the submissions does not count toward it. Last evaluated 2025-12-23.

Conditions:
Amyotrophic lateral sclerosis type 6. Also called: Amyotrophic lateral sclerosis 6, with or without frontotemporal dementia; FUS-Related Amyotrophic Laterial Sclerosis; AMYOTROPHIC LATERAL SCLEROSIS 6 WITHOUT FRONTOTEMPORAL DEMENTIA. Identifiers: Orphanet 275872, Orphanet 803, MedGen C2931786, MONDO:0011951, OMIM 608030.
Tremor, hereditary essential, 4 (ETM4). Identifiers: MedGen C3539195, MONDO:0013888, OMIM 614782.
FUS-related disorder. Also called: FUS-related condition.
Inborn genetic diseases. Identifiers: MedGen C0950123, MeSH D030342.

Allele frequency attached by ClinVar (database versions not stated): ESP Exome Variant Server 0.00008; gnomAD 0.00022 and 0.00023; TOPMed 0.00026; gnomAD exomes 0.00028 and 0.00042; ExAC 0.00036; 1000 Genomes Project 0.00040; 1000 Genomes Project 30x 0.00047.
gnomAD v4.1: 652 of 1,612,760 alleles (0.04%); highest among the groups gnomAD compares: Non-Finnish European, 0.048%; no homozygotes.

Submissions (6):

Labcorp Genetics (formerly Invitae), Labcorp
Classification: Likely benign for Tremor, hereditary essential, 4; Amyotrophic lateral sclerosis type 6. Last evaluated: 2025-12-23. Review status: criteria provided, single submitter. Criteria: Invitae Variant Classification Sherloc (09022015). Collection method: clinical testing. Allele origin: germline.

Mayo Clinic Laboratories, Mayo Clinic
Classification: Likely benign. Last evaluated: 2025-06-17. Review status: criteria provided, single submitter. Criteria: ACMG Guidelines, 2015. Collection method: clinical testing. Allele origin: germline. Observed: 1 variant allele.
Comment: BP4, BP7

Ambry Genetics
Classification: Likely benign for Inborn genetic diseases. Last evaluated: 2022-02-20. Review status: criteria provided, single submitter. Criteria: Ambry Variant Classification Scheme 2023. Collection method: clinical testing. Allele origin: germline.

Illumina Laboratory Services, Illumina
Classification: Likely benign for Amyotrophic lateral sclerosis type 6. Last evaluated: 2018-01-13. Review status: criteria provided, single submitter. Criteria: ICSL Variant Classification Criteria 13 December 2019. Collection method: clinical testing. Allele origin: germline.
Comment: This variant was observed in the ICSL laboratory as part of a predisposition screen in an ostensibly healthy population. It had not been previously curated by ICSL or reported in the Human Gene Mutation Database (HGMD: prior to June 1st, 2018), and was therefore a candidate for classification through an automated scoring system. Utilizing variant allele frequency, disease prevalence and penetrance estimates, and inheritance mode, an automated score was calculated to assess if this variant is too frequent to cause the disease. Based on the score and internal cut-off values, a variant classified as likely benign is not then subjected to further curation. The score for this variant resulted in a classification of likely benign for this disease.

CeGaT Center for Human Genetics Tuebingen
Classification: Uncertain significance. Last evaluated: 2017-05-01. Review status: criteria provided, single submitter. Criteria: CeGaT Center For Human Genetics Tuebingen Variant Classification Criteria Version 2. Collection method: clinical testing. Allele origin: germline. Affected: yes. Observed: 2 variant alleles.

PreventionGenetics, part of Exact Sciences
Classification: Likely benign for FUS-related condition. Last evaluated: 2019-12-09. Review status: no assertion criteria provided. Collection method: clinical testing. Allele origin: germline. Not counted in ClinVar's aggregate classification.
Comment: This variant is classified as likely benign based on ACMG/AMP sequence variant interpretation guidelines (Richards et al. 2015 PMID: 25741868, with internal and published modifications).

Literature cited by the submitters: PubMed 23881933 (cited by Mayo Clinic Laboratories, Mayo Clinic); PubMed 27790088 (cited by Mayo Clinic Laboratories, Mayo Clinic).